The following is an entry in ClinVar:

NM_000098.3(CPT2):c.1886del (p.Pro629fs)

Gene: CPT2 (carnitine palmitoyltransferase 2; plus strand). Cytogenetic location: 1p32.3.
Variant type: Deletion.
Coding change: c.1886del on transcript NM_000098.3 (MANE Select); coding-DNA position 1886, one base deleted (C; older notation c.1886delC).
Protein change: p.Pro629fs; shifts the reading frame from proline 629.
Molecular consequence: frameshift variant.
Genome position (GRCh38, 1-based): chr1:53,213,504, C deleted; the last of 3 consecutive C bases (chr1:53,213,502-53,213,504); deleting any one gives the same sequence. VCF-style (leftmost placement, unchanged base first): chr1-53213501-AC-A. GRCh37 (hg19) VCF-style: chr1-53679173-AC-A.
Other names: c.1817del, p.Pro606fs (NM_001330589.2); short protein forms P606fs, P629fs.
Identifiers: ClinVar variation 1451959 (VCV001451959.8), dbSNP rs763889116, ClinGen allele CA859305.

ClinVar aggregate classification (germline): Pathogenic (1 of 4 stars; one submission).

Conditions:
Carnitine palmitoyltransferase II deficiency. Also called: Carnitine Palmitoyltransferase 2 Deficiency. Identifiers: Orphanet 157, MedGen C0342790, MONDO:0015515.

Submission:

Labcorp Genetics (formerly Invitae), Labcorp
Classification: Pathogenic for Carnitine palmitoyltransferase II deficiency. Last evaluated: 2022-04-08. Review status: criteria provided, single submitter. Criteria: Invitae Variant Classification Sherloc (09022015). Collection method: clinical testing. Allele origin: germline.
Comment: This sequence change creates a premature translational stop signal (p.Pro629Glnfs*16) in the CPT2 gene. While this is not anticipated to result in nonsense mediated decay, it is expected to disrupt the last 30 amino acid(s) of the CPT2 protein. This variant is present in population databases (rs763889116, gnomAD 0.02%). This variant has not been reported in the literature in individuals affected with CPT2-related conditions. This variant disrupts a region of the CPT2 protein in which other variant(s) (p.Glu645Argfs*5) have been determined to be pathogenic (PMID: 17936304, 21913903). This suggests that this is a clinically significant region of the protein, and that variants that disrupt it are likely to be disease-causing. For these reasons, this variant has been classified as Pathogenic.

Literature cited by the submitters: PubMed 17936304; PubMed 21913903.